The following is an entry in ClinVar:

NM_015046.7(SETX):c.7924_7925delinsTT (p.Glu2642Leu)

Gene: SETX (senataxin; minus strand). Cytogenetic location: 9q34.13.
Variant type: Indel.
Coding change: c.7924_7925delinsTT on transcript NM_015046.7 (MANE Select); coding-DNA positions 7924 to 7925, GA replaced by TT.
Protein change: p.Glu2642Leu; replaces glutamic acid 2642 with leucine.
Molecular consequence: missense variant.
Genome position (GRCh38, 1-based): chr9:132,264,348-132,264,349, TC replaced by AA on the plus strand (GA replaced by TT on the coding strand, the reverse complement: SETX is on the minus strand). VCF-style: chr9-132264348-TC-AA. GRCh37 (hg19) VCF-style: chr9-135139735-TC-AA.
Other names: c.7924_7925delinsTT, p.Glu2642Leu (NM_001351527.2); c.8011_8012delinsTT, p.Glu2671Leu (NM_001351528.2); short protein forms E2671L, E2642L.
Identifiers: ClinVar variation 2953672 (VCV002953672.3), dbSNP rs2538818402, ClinGen allele CA2740092907.

ClinVar aggregate classification (germline): Uncertain significance (1 of 4 stars; one submission).

Conditions:
Amyotrophic lateral sclerosis type 4 (ALS4). Also called: NEURONOPATHY, DISTAL HEREDITARY MOTOR, WITH PYRAMIDAL FEATURES; AMYOTROPHIC LATERAL SCLEROSIS 4, JUVENILE. Identifiers: Orphanet 357043, MedGen C1865409, MONDO:0011223, OMIM 602433.
Spinocerebellar ataxia, autosomal recessive, with axonal neuropathy 2 (SCAN2). Also called: Ataxia-ocular apraxia-2; Ataxia with Oculomotor Apraxia Type 2; Ataxia with Oculomotor Apraxia; ATAXIA-OCULOMOTOR APRAXIA 2. Identifiers: Orphanet 64753, MedGen C1853761, MONDO:0018996, OMIM 606002.

Submission:

Labcorp Genetics (formerly Invitae), Labcorp
Classification: Uncertain significance for Amyotrophic lateral sclerosis type 4; Spinocerebellar ataxia, autosomal recessive, with axonal neuropathy 2. Last evaluated: 2023-11-07. Review status: criteria provided, single submitter. Criteria: Invitae Variant Classification Sherloc (09022015). Collection method: clinical testing. Allele origin: germline.
Comment: This sequence change replaces glutamic acid, which is acidic and polar, with leucine, which is neutral and non-polar, at codon 2642 of the SETX protein (p.Glu2642Leu). Information on the frequency of this variant in the gnomAD database is not available, as this variant may be reported differently in the database. This variant has not been reported in the literature in individuals affected with SETX-related conditions. An algorithm developed to predict the effect of missense changes on protein structure and function (PolyPhen-2) suggests that this variant is likely to be tolerated. In summary, the available evidence is currently insufficient to determine the role of this variant in disease. Therefore, it has been classified as a Variant of Uncertain Significance.